The following is an entry in ClinVar:

ClinVar aggregate classification (germline): Uncertain significance (1 of 4 stars; one submission).

Allele frequency attached by ClinVar (database versions not stated): gnomAD 0.00001; gnomAD exomes 0.00001; ExAC 0.00002; TOPMed 0.00002.
gnomAD v4.1: 10 of 1,613,986 alleles (0.00062%); highest among the groups gnomAD compares: East Asian, 0.0022%; no homozygotes.

Submission:

Labcorp Genetics (formerly Invitae), Labcorp
Classification: Uncertain significance. Last evaluated: 2024-05-06. Review status: criteria provided, single submitter. Criteria: Invitae Variant Classification Sherloc (09022015). Collection method: clinical testing. Allele origin: germline.
Comment: This sequence change replaces aspartic acid, which is acidic and polar, with asparagine, which is neutral and polar, at codon 433 of the ACVR1 protein (p.Asp433Asn). This variant is present in population databases (rs776029462, gnomAD 0.006%). This variant has not been reported in the literature in individuals affected with ACVR1-related conditions. ClinVar contains an entry for this variant (Variation ID: 1942075). An algorithm developed to predict the effect of missense changes on protein structure and function (PolyPhen-2) suggests that this variant is likely to be disruptive. In summary, the available evidence is currently insufficient to determine the role of this variant in disease. Therefore, it has been classified as a Variant of Uncertain Significance.

NM_001111067.4(ACVR1):c.1297G>A (p.Asp433Asn)

Gene: ACVR1 (activin A receptor type 1; minus strand). Cytogenetic location: 2q24.1.
Variant type: single nucleotide variant.
Coding change: c.1297G>A on transcript NM_001111067.4 (MANE Select); coding-DNA position 1297, G replaced by A.
Protein change: p.Asp433Asn; replaces aspartic acid 433 with asparagine.
Molecular consequence: missense variant.
Genome position (GRCh38, 1-based): chr2:157,738,538, C>T on the plus strand (G>A on the coding strand, the complement: ACVR1 is on the minus strand). VCF-style: chr2-157738538-C-T. GRCh37 (hg19) VCF-style: chr2-158595050-C-T.
Other names: c.1297G>A, p.Asp433Asn (NM_001105.5, NM_001347663.1, NM_001347664.1 and 3 more transcripts); short protein forms D433N.
Identifiers: ClinVar variation 1942075 (VCV001942075.5), dbSNP rs776029462, ClinGen allele CA1918975.